The following is an entry in ClinVar:

NM_006790.3(MYOT):c.1345C>G (p.Pro449Ala)

Genes: MYOT (myotilin; plus strand), PKD2L2-DT (PKD2L2 divergent transcript; minus strand). Cytogenetic location: 5q31.2.
Variant type: single nucleotide variant.
Coding change: c.1345C>G on transcript NM_006790.3 (MANE Select); coding-DNA position 1345, C replaced by G.
Protein change: p.Pro449Ala; replaces proline 449 with alanine.
Molecular consequence: missense variant.
Genome position (GRCh38, 1-based): chr5:137,887,233, C>G. VCF-style: chr5-137887233-C-G. GRCh37 (hg19) VCF-style: chr5-137222922-C-G.
Other names: c.793C>G, p.Pro265Ala (NM_001135940.2); c.1000C>G, p.Pro334Ala (NM_001300911.2); short protein forms P449A, P265A, P334A.
Identifiers: ClinVar variation 464366 (VCV000464366.11), dbSNP rs766650528, ClinGen allele CA3423179.

ClinVar aggregate classification (germline): Uncertain significance. Review status: criteria provided, multiple submitters, no conflicts (2 of 4 stars). 3 submissions from 3 submitters: Uncertain significance (3). Last evaluated 2025-12-24.

Conditions:
Inborn genetic diseases. Identifiers: MedGen C0950123, MeSH D030342.
Myofibrillar myopathy 3 (MFM3). Also called: Autosomal dominant spheroid body myopathy; Muscular dystrophy, proximal, type 1A. Identifiers: Orphanet 266, Orphanet 268129, MedGen C3714934, MONDO:0012215, OMIM 609200.

Allele frequency attached by ClinVar (database versions not stated): gnomAD exomes 0.00004 and 0.00010; ExAC 0.00005; gnomAD 0.00008 and 0.00009; TOPMed 0.00009.
gnomAD v4.1: 160 of 1,613,884 alleles (0.0099%); highest among the groups gnomAD compares: Admixed American, 0.023%; no homozygotes.

Submissions (3):

Labcorp Genetics (formerly Invitae), Labcorp
Classification: Uncertain significance for Myofibrillar myopathy 3. Last evaluated: 2025-12-24. Review status: criteria provided, single submitter. Criteria: Invitae Variant Classification Sherloc (09022015). Collection method: clinical testing. Allele origin: germline.
Comment: This sequence change replaces proline, which is neutral and non-polar, with alanine, which is neutral and non-polar, at codon 449 of the MYOT protein (p.Pro449Ala). This variant is present in population databases (rs766650528, gnomAD 0.02%). This variant has not been reported in the literature in individuals affected with MYOT-related conditions. ClinVar contains an entry for this variant (Variation ID: 464366). An algorithm developed to predict the effect of missense changes on protein structure and function (PolyPhen-2) suggests that this variant is likely to be tolerated. In summary, the available evidence is currently insufficient to determine the role of this variant in disease. Therefore, it has been classified as a Variant of Uncertain Significance.

Ambry Genetics
Classification: Uncertain significance for Inborn genetic diseases. Last evaluated: 2025-06-03. Review status: criteria provided, single submitter. Criteria: Ambry Variant Classification Scheme 2023. Collection method: clinical testing. Allele origin: germline.

Blueprint Genetics
Classification: Uncertain significance. Last evaluated: 2024-01-08. Review status: criteria provided, single submitter. Criteria: ACMG Guidelines, 2015. Collection method: clinical testing. Allele origin: germline.